The following is an entry in ClinVar:

ClinVar aggregate classification (germline): Likely benign. Review status: criteria provided, multiple submitters, no conflicts (2 of 4 stars). 3 submissions from 3 submitters: Likely benign (3). Last evaluated 2026-07-01.

Conditions:
RYR1-related disorder. Also called: RYR1-related condition; RYR1-related disorders. Identifiers: MedGen CN239331.
Malignant hyperthermia, susceptibility to, 1 (MHS1). Also called: Malignant hyperthermia suceptibility 1; Anesthesia related hyperthermia; Malignant hyperpyrexia; Fulminating hyperpyrexia; Pharmacogenic myopathy; RYR1-Related Malignant Hyperthermia Susceptibility. Identifiers: Orphanet 423, MedGen C2930980, MONDO:0007783, OMIM 145600.

Allele frequency attached by ClinVar (database versions not stated): gnomAD 0.00001; TOPMed 0.00002.
gnomAD v4.1: 6 of 1,613,004 alleles (0.00037%); highest among the groups gnomAD compares: Admixed American, 0.0083%; no homozygotes.

Submissions (3):

CeGaT Center for Human Genetics Tuebingen
Classification: Likely benign. Last evaluated: 2026-07-01. Review status: criteria provided, single submitter. Criteria: CeGaT Center For Human Genetics Tuebingen Variant Classification Criteria Version 2. Collection method: clinical testing. Allele origin: germline. Affected: yes. Observed: 1 variant allele.
Comment: RYR1: BP4, BP7

Labcorp Genetics (formerly Invitae), Labcorp
Classification: Likely benign for RYR1-related disorder. Last evaluated: 2025-08-24. Review status: criteria provided, single submitter. Criteria: Invitae Variant Classification Sherloc (09022015). Collection method: clinical testing. Allele origin: germline.

Color Diagnostics, LLC DBA Color Health
Classification: Likely benign for Malignant hyperthermia, susceptibility to, 1. Last evaluated: 2023-11-22. Review status: criteria provided, single submitter. Criteria: ACMG Guidelines, 2015. Collection method: clinical testing. Allele origin: germline.

NM_000540.3(RYR1):c.14127G>A (p.Thr4709=)

Gene: RYR1 (ryanodine receptor 1; plus strand). Cytogenetic location: 19q13.2.
Variant type: single nucleotide variant.
Coding change: c.14127G>A on transcript NM_000540.3 (MANE Select); coding-DNA position 14127, G replaced by A.
Protein change: p.Thr4709=; no amino-acid change (threonine 4709 retained).
Molecular consequence: synonymous variant.
Genome position (GRCh38, 1-based): chr19:38,573,305, G>A. VCF-style: chr19-38573305-G-A. GRCh37 (hg19) VCF-style: chr19-39063945-G-A.
Other names: c.14112G>A, p.Thr4704= (NM_001042723.2).
Identifiers: ClinVar variation 2073423 (VCV002073423.6), dbSNP rs979347711, ClinGen allele CA308114796.
Genomic context (GRCh38, chr19:38,573,305, plus strand): 5'-CACGGAGCAGCCTGAGGACGATGACGTGAAGGGGCAGTGGGACCGACTGGTGCTCAACAC[G>A]CCGTAAGGACCCAGCCCCCACCTCAGGGTGGCAGCAGGAGGGGACCTGGGTTTCCACCCA-3'
Protein context (NP_000531.2, residues 4699-4719): KGQWDRLVLN[Thr4709=]PSFPSNYWDK